The following is an entry in ClinVar:

NM_006421.5(ARFGEF1):c.1303A>G (p.Met435Val)

Gene: ARFGEF1 (ARF guanine nucleotide exchange factor 1; minus strand). Cytogenetic location: 8q13.2.
Variant type: single nucleotide variant.
Coding change: c.1303A>G on transcript NM_006421.5 (MANE Select); coding-DNA position 1303, A replaced by G.
Protein change: p.Met435Val; replaces methionine 435 with valine.
Molecular consequence: missense variant. On other transcripts: non-coding transcript variant (1), intron variant (1).
Genome position (GRCh38, 1-based): chr8:67,276,010, T>C on the plus strand (A>G on the coding strand, the complement: ARFGEF1 is on the minus strand). VCF-style: chr8-67276010-T-C. GRCh37 (hg19) VCF-style: chr8-68188245-T-C.
Other names: c.1303A>G, p.Met435Val (NM_001413184.1, NM_001413185.1, NM_001413186.1 and 7 more transcripts); c.703A>G, p.Met235Val (NM_001413188.1, NM_001413193.1, NM_001413197.1); c.-88-4074A>G (NM_001413196.1); short protein forms M235V, M435V.
Identifiers: ClinVar variation 2581167 (VCV002581167.2), dbSNP rs779019298, ClinGen allele CA4772276.

ClinVar aggregate classification (germline): Uncertain significance. Review status: criteria provided, multiple submitters, no conflicts (2 of 4 stars). 2 submissions from 2 submitters: Uncertain significance (2). Last evaluated 2025-01-22.

Conditions:
Inborn genetic diseases. Identifiers: MedGen C0950123, MeSH D030342.

Allele frequency attached by ClinVar (database versions not stated): gnomAD exomes below 0.00001; TOPMed below 0.00001; ExAC 0.00001; gnomAD 0.00001.
gnomAD v4.1: 5 of 1,613,340 alleles (0.00031%); highest among the groups gnomAD compares: Non-Finnish European, 0.00025%; no homozygotes.

Submissions (2):

Ambry Genetics
Classification: Uncertain significance for Inborn genetic diseases. Last evaluated: 2025-01-22. Review status: criteria provided, single submitter. Criteria: Ambry Variant Classification Scheme 2023. Collection method: clinical testing. Allele origin: germline.

Women's Health and Genetics/Laboratory Corporation of America, LabCorp
Classification: Uncertain significance. Last evaluated: 2023-08-16. Review status: criteria provided, single submitter. Criteria: LabCorp Variant Classification Summary - May 2015. Collection method: clinical testing. Allele origin: germline.
Comment: Variant summary: ARFGEF1 c.1303A>G (p.Met435Val) results in a conservative amino acid change located in the Mon2/Sec7/BIG1-like, HUS domain (IPR032691) of the encoded protein sequence. Three of five in-silico tools predict a benign effect of the variant on protein function. The variant allele was found at a frequency of 4e-06 in 250928 control chromosomes. The available data on variant occurrences in the general population are insufficient to allow any conclusion about variant significance. To our knowledge, no occurrence of c.1303A>G in individuals affected with Developmental Delay, Impaired Speech, And Behavioral Abnormalities, With Or Without Seizures and no experimental evidence demonstrating its impact on protein function have been reported. No submitters have cited clinical-significance assessments for this variant to ClinVar after 2014. Based on the evidence outlined above, the variant was classified as uncertain significance.